The following is an entry in ClinVar:

NM_005655.4(KLF10):c.563G>C (p.Arg188Thr)

Gene: KLF10 (KLF transcription factor 10; minus strand). Cytogenetic location: 8q22.3.
Variant type: single nucleotide variant.
Coding change: c.563G>C on transcript NM_005655.4 (MANE Select); coding-DNA position 563, G replaced by C.
Protein change: p.Arg188Thr; replaces arginine 188 with threonine.
Molecular consequence: missense variant.
Genome position (GRCh38, 1-based): chr8:102,651,769, C>G on the plus strand (G>C on the coding strand, the complement: KLF10 is on the minus strand). VCF-style: chr8-102651769-C-G. GRCh37 (hg19) VCF-style: chr8-103663997-C-G.
Other names: c.530G>C, p.Arg177Thr (NM_001032282.4); short protein forms R177T, R188T.
Identifiers: ClinVar variation 4780567 (VCV004780567.1).

ClinVar aggregate classification (germline): Uncertain significance (1 of 4 stars; one submission).

gnomAD v4.1: 11 of 1,614,148 alleles (0.00068%); highest among the groups gnomAD compares: Non-Finnish European, 0.00093%; no homozygotes.

Submission:

Labcorp Genetics (formerly Invitae), Labcorp
Classification: Uncertain significance. Last evaluated: 2025-12-30. Review status: criteria provided, single submitter. Criteria: Invitae Variant Classification Sherloc (09022015). Collection method: clinical testing. Allele origin: germline.
Comment: This sequence change replaces arginine, which is basic and polar, with threonine, which is neutral and polar, at codon 188 of the KLF10 protein (p.Arg188Thr). This variant is not present in population databases (gnomAD no frequency). This variant has not been reported in the literature in individuals affected with KLF10-related conditions. An algorithm developed to predict the effect of missense changes on protein structure and function (PolyPhen-2) suggests that this variant is likely to be tolerated. In summary, the available evidence is currently insufficient to determine the role of this variant in disease. Therefore, it has been classified as a Variant of Uncertain Significance.